The following is an entry in ClinVar:

NM_006269.2(RP1):c.3949C>T (p.Gln1317Ter)

Gene: RP1 (RP1 axonemal microtubule associated; plus strand). Cytogenetic location: 8q12.1.
Variant type: single nucleotide variant.
Coding change: c.3949C>T on transcript NM_006269.2 (MANE Select); coding-DNA position 3949, C replaced by T.
Protein change: p.Gln1317Ter; replaces glutamine 1317 with a stop codon.
Molecular consequence: nonsense. On other transcripts: intron variant (1).
Genome position (GRCh38, 1-based): chr8:54,627,831, C>T. VCF-style: chr8-54627831-C-T. GRCh37 (hg19) VCF-style: chr8-55540391-C-T.
Other names: c.787+5543C>T (NM_001375654.1); short protein forms Q1317*.
Identifiers: ClinVar variation 1458088 (VCV001458088.8), dbSNP rs2129317387, ClinGen allele CA370980777.

ClinVar aggregate classification (germline): Pathogenic (1 of 4 stars; one submission).

Submission:

Labcorp Genetics (formerly Invitae), Labcorp
Classification: Pathogenic. Last evaluated: 2022-03-09. Review status: criteria provided, single submitter. Criteria: Invitae Variant Classification Sherloc (09022015). Collection method: clinical testing. Allele origin: germline.
Comment: This variant is not present in population databases (gnomAD no frequency). This sequence change creates a premature translational stop signal (p.Gln1317*) in the RP1 gene. While this is not anticipated to result in nonsense mediated decay, it is expected to disrupt the last 840 amino acid(s) of the RP1 protein. This variant has not been reported in the literature in individuals affected with RP1-related conditions. This variant disrupts the C-terminus of the RP1 protein. Many variants that disrupt this region have been reported in individuals with either autosomal dominant or autosomal recessive retinitis pigmentosa (PMID: 11527933, 19933189, 29425069, 30027431, 33681214). Therefore, variants that disrupt this region are expected to be disease-causing. For these reasons, this variant has been classified as Pathogenic.

Literature cited by the submitters: PubMed 11527933; PubMed 19933189; PubMed 29425069; PubMed 30027431; PubMed 33681214.